The following is an entry in ClinVar:

NM_177438.3(DICER1):c.1282G>A (p.Glu428Lys)

Gene: DICER1 (dicer 1, ribonuclease III; minus strand). Cytogenetic location: 14q32.13.
Variant type: single nucleotide variant.
Coding change: c.1282G>A on transcript NM_177438.3 (MANE Select); coding-DNA position 1282, G replaced by A.
Protein change: p.Glu428Lys; replaces glutamic acid 428 with lysine.
Molecular consequence: missense variant.
Genome position (GRCh38, 1-based): chr14:95,124,290, C>T on the plus strand (G>A on the coding strand, the complement: DICER1 is on the minus strand). VCF-style: chr14-95124290-C-T. GRCh37 (hg19) VCF-style: chr14-95590627-C-T.
Other names: NM_177438.3(DICER1):c.1282G>A; p.Glu428Lys; c.1282G>A, p.Glu428Lys (NM_001195573.1, NM_001271282.3, NM_001291628.2 and 1 more transcripts); short protein forms E428K.
Identifiers: ClinVar variation 933054 (VCV000933054.13), dbSNP rs1893194212, ClinGen allele CA390886334.

ClinVar aggregate classification (germline): Uncertain significance. Review status: reviewed by expert panel (3 of 4 stars). 4 submissions from 4 submitters: Uncertain significance (1). 3 of the submissions do not count toward it. Last evaluated 2025-10-28.

Conditions:
Hereditary cancer-predisposing syndrome. Also called: Tumor predisposition; Hereditary neoplastic syndrome; Neoplastic Syndromes, Hereditary; Hereditary Cancer Syndrome. Identifiers: Orphanet 140162, MedGen C0027672, MeSH D009386, MONDO:0015356.
DICER1-related tumor predisposition. Also called: DICER1-related pleuropulmonary blastoma cancer predisposition syndrome; DICER1 syndrome. Identifiers: Orphanet 284343, MedGen C3839822, MONDO:0100216.

Submissions (4):

ClinGen DICER1 and miRNA-Processing Gene Variant Curation Expert Panel, ClinGen
Classification: Uncertain significance for DICER1-related tumor predisposition. Last evaluated: 2025-10-28. Review status: reviewed by expert panel. Criteria: ClinGen DICER1 ACMG Specifications DICER1 V1.4.0. Collection method: curation. Allele origin: germline. Inheritance: Autosomal dominant inheritance.
Comment: The NM_177438.3:c.1282G>A variant in DICER1 is a missense variant predicted to cause substitution of glutamic acid by lysine at amino acid 428 (p.Glu428Lys). Although this variant has been observed in individuals undergoing genetic sequencing, to our knowledge, this variant has not been reported in individuals with DICER1-related tumor predisposition (PS4 not met; Internal lab contributors). This variant is absent from gnomAD v4.1.0 (PM2_Supporting). In silico tools predict no damaging impact of the variant on protein function (REVEL: 0.206; MaxEntScan and SpliceAI: no effect on splicing) (BP4). In summary, this variant meets the criteria to be classified as Uncertain Significance for DICER1-related tumor predisposition based on the ACMG/AMP criteria applied, as specified by the ClinGen DICER1 VCEP: PM2_Supporting, BP4. (Bayesian Points: 0; VCEP specifications version 1.4.0; 10/28/2025)

Ambry Genetics
Classification: Uncertain significance for Hereditary cancer-predisposing syndrome. Last evaluated: 2025-09-18. Review status: criteria provided, single submitter. Criteria: Ambry Variant Classification Scheme 2023. Collection method: clinical testing. Allele origin: germline. Not counted in ClinVar's aggregate classification.
Comment: The p.E428K variant (also known as c.1282G>A), located in coding exon 7 of the DICER1 gene, results from a G to A substitution at nucleotide position 1282. The glutamic acid at codon 428 is replaced by lysine, an amino acid with similar properties. This amino acid position is highly conserved in available vertebrate species. In addition, this alteration is predicted to be tolerated by in silico analysis. Based on the available evidence, the clinical significance of this variant remains unclear.

Labcorp Genetics (formerly Invitae), Labcorp
Classification: Uncertain significance for DICER1-related tumor predisposition. Last evaluated: 2024-10-21. Review status: criteria provided, single submitter. Criteria: Invitae Variant Classification Sherloc (09022015). Collection method: clinical testing. Allele origin: germline. Not counted in ClinVar's aggregate classification.
Comment: This sequence change replaces glutamic acid, which is acidic and polar, with lysine, which is basic and polar, at codon 428 of the DICER1 protein (p.Glu428Lys). This variant is not present in population databases (gnomAD no frequency). This variant has not been reported in the literature in individuals affected with DICER1-related conditions. ClinVar contains an entry for this variant (Variation ID: 933054). Invitae Evidence Modeling of protein sequence and biophysical properties (such as structural, functional, and spatial information, amino acid conservation, physicochemical variation, residue mobility, and thermodynamic stability) indicates that this missense variant is not expected to disrupt DICER1 protein function with a negative predictive value of 95%. In summary, the available evidence is currently insufficient to determine the role of this variant in disease. Therefore, it has been classified as a Variant of Uncertain Significance.

Foulkes Cancer Genetics LDI, Lady Davis Institute for Medical Research
Classification: Uncertain significance. Last evaluated: 2019-07-01. Review status: criteria provided, single submitter. Criteria: ACMG Guidelines, 2015. Collection method: curation. Allele origin: somatic. Affected: yes. Observed: 1 variant allele. Not counted in ClinVar's aggregate classification.
Comment: ACMG criteria met: PM2, BP1

Literature cited by the submitters: PubMed 28012864 (cited by Ambry Genetics and Foulkes Cancer Genetics LDI, Lady Davis Institute for Medical Research).